The following is an entry in ClinVar:

ClinVar aggregate classification (germline): Likely benign. Review status: criteria provided, multiple submitters, no conflicts (2 of 4 stars). 2 submissions from 2 submitters: Likely benign (2). Last evaluated 2023-04-21.

Allele frequency attached by ClinVar (database versions not stated): gnomAD 0.00001; gnomAD exomes 0.00001 and 0.00002.
gnomAD v4.1: 12 of 1,516,226 alleles (0.00079%); highest among the groups gnomAD compares: Non-Finnish European, 0.0011%; no homozygotes.

Submissions (2):

Blueprint Genetics
Classification: Likely benign. Last evaluated: 2023-04-21. Review status: criteria provided, single submitter. Criteria: ACMG Guidelines, 2015. Collection method: clinical testing. Allele origin: germline.

GeneDx
Classification: Likely benign. Last evaluated: 2015-11-18. Review status: criteria provided, single submitter. Criteria: GeneDx Variant Classification (06012015). Collection method: clinical testing. Allele origin: germline. Affected: yes.
Comment: This variant is considered likely benign or benign based on one or more of the following criteria: it is a conservative change, it occurs at a poorly conserved position in the protein, it is predicted to be benign by multiple in silico algorithms, and/or has population frequency not consistent with disease.

NM_002397.5(MEF2C):c.1086C>A (p.Ala362=)

Gene: MEF2C (myocyte enhancer factor 2C; minus strand). Cytogenetic location: 5q14.3.
Variant type: single nucleotide variant.
Coding change: c.1086C>A on transcript NM_002397.5 (MANE Select); coding-DNA position 1086, C replaced by A.
Protein change: p.Ala362=; no amino-acid change (alanine 362 retained).
Molecular consequence: synonymous variant.
Genome position (GRCh38, 1-based): chr5:88,728,507, G>T on the plus strand (C>A on the coding strand, the complement: MEF2C is on the minus strand). VCF-style: chr5-88728507-G-T. GRCh37 (hg19) VCF-style: chr5-88024324-G-T.
Other names: c.708C>A, p.Ala236= (NM_001364353.2, NM_001364356.2); c.942C>A, p.Ala314= (NM_001364354.2, NM_001364355.2, NM_001193349.3 and 2 more transcripts); c.636C>A, p.Ala212= (NM_001364357.2); c.1056C>A, p.Ala352= (NM_001131005.2, NM_001364343.2, NM_001364352.2); c.1116C>A, p.Ala372= (NM_001193347.1, NM_001364338.2); c.918C>A, p.Ala306= (NM_001193348.1); c.1086C>A, p.Ala362= (NM_001193350.2, NM_001363581.2, NM_001364329.2 and 9 more transcripts); c.1062C>A, p.Ala354= (NM_001308002.3, NM_001364333.2, NM_001364339.2 and 6 more transcripts).
Identifiers: ClinVar variation 381788 (VCV000381788.2), dbSNP rs1057521169, ClinGen allele CA16605413.